The following is an entry in ClinVar:

NM_020247.5(COQ8A):c.*230G>A

Gene: COQ8A (coenzyme Q8A; plus strand). Cytogenetic location: 1q42.13.
Variant type: single nucleotide variant.
Coding change: c.*230G>A on transcript NM_020247.5 (MANE Select); 230 bases downstream of the stop codon, G replaced by A.
Molecular consequence: 3 prime UTR variant.
Genome position (GRCh38, 1-based): chr1:226,986,967, G>A. VCF-style: chr1-226986967-G-A. GRCh37 (hg19) VCF-style: chr1-227174668-G-A.
Identifiers: ClinVar variation 296034 (VCV000296034.6), dbSNP rs117808661, ClinGen allele CA10610283.

ClinVar aggregate classification (germline): Benign (1 of 4 stars; one submission).

Conditions:
Autosomal recessive ataxia due to ubiquinone deficiency. Also called: SPINOCEREBELLAR ATAXIA, AUTOSOMAL RECESSIVE 9; Coenzyme Q10 deficiency, primary, 4. Identifiers: Orphanet 139485, MedGen C2677589, MONDO:0012784, OMIM 612016.

Allele frequency attached by ClinVar (database versions not stated): gnomAD 0.00143 and 0.00261; TOPMed 0.00396; 1000 Genomes Project 30x 0.01437; 1000 Genomes Project 0.01617.
gnomAD v4.1: 2,449 of 594,210 alleles (0.41%); highest among the groups gnomAD compares: East Asian, 3.5%; 56 homozygotes.

Submission:

Illumina Laboratory Services, Illumina
Classification: Benign for Autosomal recessive ataxia due to ubiquinone deficiency. Last evaluated: 2018-01-12. Review status: criteria provided, single submitter. Criteria: ICSL Variant Classification Criteria 13 December 2019. Collection method: clinical testing. Allele origin: germline.
Comment: This variant was observed in the ICSL laboratory as part of a predisposition screen in an ostensibly healthy population. It had not been previously curated by ICSL or reported in the Human Gene Mutation Database (HGMD: prior to June 1st, 2018), and was therefore a candidate for classification through an automated scoring system. Utilizing variant allele frequency, disease prevalence and penetrance estimates, and inheritance mode, an automated score was calculated to assess if this variant is too frequent to cause the disease. Based on the score and internal cut-off values, a variant classified as benign is not then subjected to further curation. The score for this variant resulted in a classification of benign for this disease.